The following is an entry in ClinVar:

ClinVar aggregate classification (germline): Likely benign (0 of 4 stars; one submission).

Conditions:
TRAP1-related disorder. Also called: TRAP1-related condition.

Submission:

PreventionGenetics, part of Exact Sciences
Classification: Likely benign for TRAP1-related condition. Last evaluated: 2021-10-21. Review status: no assertion criteria provided. Collection method: clinical testing. Allele origin: germline.
Comment: This variant is classified as likely benign based on ACMG/AMP sequence variant interpretation guidelines (Richards et al. 2015 PMID: 25741868, with internal and published modifications).

NM_016292.3(TRAP1):c.1940+8C>T

Genes: DNASE1 (deoxyribonuclease 1; plus strand), TRAP1 (TNF receptor associated protein 1; minus strand). Cytogenetic location: 16p13.3.
Variant type: single nucleotide variant.
Coding change: c.1940+8C>T on transcript NM_016292.3 (MANE Select); 8 bases into the intron after coding-DNA position 1940, C replaced by T.
Molecular consequence: intron variant.
Genome position (GRCh38, 1-based): chr16:3,661,979, G>A on the plus strand (C>T on the coding strand, the complement: TRAP1 is on the minus strand). VCF-style: chr16-3661979-G-A. GRCh37 (hg19) VCF-style: chr16-3711980-G-A.
Other names: c.*22-667G>A (NM_001387140.1); c.1781+8C>T (NM_001272049.2).
Identifiers: ClinVar variation 3060936 (VCV003060936.2), dbSNP rs2548299016, ClinGen allele CA2740093240.